The following is an entry in ClinVar:

ClinVar aggregate classification (germline): Likely pathogenic (1 of 4 stars; one submission).

Conditions:
Acquired hemoglobin H disease (ATMDS). Also called: Alpha-thalassemia myelodysplasia syndrome, somatic; Alpha-thalassemia myelodysplasia syndrome; Alpha-thalassemia-myelodysplastic syndrome. Identifiers: Orphanet 231401, MedGen C0585216, MONDO:0010328, OMIM 300448.

Submission:

Institute of Human Genetics, University of Leipzig Medical Center
Classification: Likely pathogenic for Acquired hemoglobin H disease. Last evaluated: 2026-05-04. Review status: criteria provided, single submitter. Criteria: ACMG Guidelines, 2015. Collection method: clinical testing. Allele origin: unknown. Affected: yes.
Comment: Criteria applied: PVS1,PM2_SUP

NM_000489.6(ATRX):c.4195dup (p.Glu1399fs)

Gene: ATRX (ATRX chromatin remodeler; minus strand). Cytogenetic location: Xq21.1.
Variant type: Duplication.
Coding change: c.4195dup on transcript NM_000489.6 (MANE Select); coding-DNA position 4195, one base duplicated (G; older notation c.4195dupG).
Protein change: p.Glu1399fs; shifts the reading frame from glutamic acid 1399.
Molecular consequence: frameshift variant.
Genome position (GRCh38, 1-based): chrX:77,656,579, C duplicated on the plus strand (G on the coding strand, the reverse complement: ATRX is on the minus strand). VCF-style (leftmost placement, unchanged base first): chrX-77656578-T-TC. GRCh37 (hg19) VCF-style: chrX-76912068-T-TC.
Other names: c.4081dup, p.Glu1361fs (NM_138270.5); short protein forms E1361fs, E1399fs.
Identifiers: ClinVar variation 4857447 (VCV004857447.1).